The following continues an entry in ClinVar:

NM_024577.4(SH3TC2):c.2860C>T (p.Arg954Ter)

Gene: SH3TC2. ClinVar aggregate classification (germline): Pathogenic/Likely pathogenic. Pathogenic (36); Likely pathogenic (3).

Submissions 25 to 37 of 50:

Practice for Gait Abnormalities, David Pomarino, Competency Network Toe Walking C/o Practice Pomarino
Classification: Pathogenic for Tip-toe gait. Last evaluated: 2021-10-26. Review status: criteria provided, single submitter. Criteria: ACMG Guidelines, 2015. Collection method: clinical testing. Allele origin: germline. Affected: yes.
Comment: Hereditary motor sensory neuropathy (HMSN), also known as Charcot-Marie-Tooth Disease (CMT), is the most commonly inherited peripheral polyneuropathy. It constitutes a group of inherited, progressive, motor and sensory peripheral nerve disorders with properties of demyelination, axonal degeneration, or both. It is classified by clinical characteristics, modes of inheritance, electrophysiologic features, metabolic defects, and specific gene markers. Our patients all walk on tiptoe, so they show similar symptoms. When we genetically test them with our toe walking panel, we find that around 90 per cent of them have a genetic variant that explains their toe walking. These can be assigned, for example, to the area of myopathies (such as variants of the COL6A3 gene), the area of hereditary neuropathies (such as variants of the KMT2C gene) or the area of metabolic diseases (such as variants of the PYGM gene). In a smaller group of patients with almost identical symptoms, no abnormality is found in the genes of our panel, but spastic paraplegia can be detected. In another small group of our toe walkers, no abnormalities can be detected in the genes analysed in our toe walking panel, nor do they suffer from spastic paraplegia, as is also the case with healthy children. In contrast to these, however, they show a tiptoe gait. These patients suffer from infantile cerebral palsy, in which toe walking can also be observed.

GeneDx
Classification: Pathogenic. Last evaluated: 2021-09-28. Review status: criteria provided, single submitter. Criteria: GeneDx Variant Classification Process June 2021. Collection method: clinical testing. Allele origin: germline. Affected: yes.
Comment: Nonsense variant predicted to result in protein truncation or nonsense mediated decay in a gene for which loss-of-function is a known mechanism of disease; This variant is associated with the following publications: (PMID: 21840889, 18511281, 28981955, 29243538, 30001926, 28726809, 29653220, 30653784, 30373780, 16924012, 25737037, 23806086, 20220177, 25525159, 25025039, 27231023, 19272779, 27549087, 27296017, 14574644, 29321516, 21291453, 31028937, 31346473, 31634715, 31827005, 31980526, 33386210, 25736553, 34426522, 34169998, 32376792, 31589614, 33643188, 32909314, 33726816)

ARUP Laboratories, Molecular Genetics and Genomics, ARUP Laboratories
Classification: Pathogenic. Last evaluated: 2021-07-21. Review status: criteria provided, single submitter. Criteria: ARUP Molecular Germline Variant Investigation Process 2021. Collection method: clinical testing. Allele origin: germline.
Comment: The SH3TC2 c.2860C>T; p.Arg954Ter variant (rs80338933) has been reported in the homozygous and compound heterozygous states in multiple families and individuals diagnosed with Charcot-Marie-Tooth disease type 4C (CMT4C) and was determined to be the most prevalent pathogenic variant in a cohort of CMT4C patients from the Czech Republic (Baets 2011, Høyer 2014, Laššuthová 2011, Lupski 2010, Senderek 2003, Varley 2015). This variant is listed in the Genome Aggregation Database (gnomAD) browser with an allele frequency of 0.12% in the non-Finnish European population (identified in 158 out of 126,576 chromosomes), and is classified as pathogenic in ClinVar (Variant ID: 2482). The p.Arg954Ter variant introduces a premature stop codon in exon 11 and is expected to result in a truncated or absent protein product. Therefore, based on the available evidence, the p.Arg954Ter variant is classified as pathogenic. Baets et al. Genetic spectrum of hereditary neuropathies with onset in the first year of life. Brain. 2011 Sep;134(Pt 9):2664-76. doi: 10.1093/brain/awr184. Epub 2011 Aug 11. Hoyer et al. Genetic diagnosis of Charcot-Marie-Tooth disease in a population by next-generation sequencing. Biomed Res Int. 2014;2014:210401. doi: 10.1155/2014/210401. Epub 2014 Jun 16. Lassuthova et al. High frequency of SH3TC2 mutations in Czech HMSN I patients. Clin Genet. 2011 Oct;80(4):334-45. doi: 10.1111/j.1399-0004.2011.01640.x. Epub 2011 Mar 1. Lupski et al. Whole-genome sequencing in a patient with Charcot-Marie-Tooth neuropathy. N Engl J Med. 2010 Apr 1;362(13):1181-91. doi: 10.1056/NEJMoa0908094. Epub 2010 Mar 10. Senderek et al. Mutations in a gene encoding a novel SH3/TPR domain protein cause autosomal recessive Charcot-Marie-Tooth type 4C neuropathy. Am J Hum Genet. 2003 Nov;73(5):1106-19. Epub 2003 Oct 21. Varley et al. Phenotypic variability of CMT4C in a French-Canadian kindred. Muscle Nerve. 2015 Sep;52(3):444-9. doi: 10.1002/mus.24640. Epub 2015 May 14.

Institute of Medical Genetics and Applied Genomics, University Hospital Tübingen
Classification: Pathogenic. Last evaluated: 2020-10-23. Review status: criteria provided, single submitter. Criteria: ACMG Guidelines, 2015. Collection method: clinical testing. Allele origin: germline. Inheritance: Unknown mechanism. Affected: yes.

Institute of Human Genetics Munich, TUM University Hospital
Classification: Pathogenic for Charcot-Marie-Tooth disease type 4C. Last evaluated: 2020-01-22. Review status: criteria provided, single submitter. Criteria: Classification criteria August 2017. Collection method: clinical testing. Allele origin: germline. Inheritance: Autosomal recessive inheritance. Affected: yes. Observed: 1 compound heterozygote.

Knight Diagnostic Laboratories, Oregon Health and Sciences University
Classification: Pathogenic for Mononeuropathy of the median nerve, mild. Last evaluated: 2019-02-22. Review status: criteria provided, single submitter. Criteria: ACMG Guidelines, 2015. Collection method: clinical testing. Allele origin: germline. Observed: 1 variant allele.

NeuroMeGen, Hospital Clinico Santiago de Compostela
Classification: Likely pathogenic for Charcot-Marie-Tooth disease type 4C. Last evaluated: 2018-10-08. Review status: criteria provided, single submitter. Criteria: ACMG Guidelines, 2015. Collection method: clinical testing. Allele origin: maternal. Affected: yes. Observed: 1 heterozygote.

Genetic Services Laboratory, University of Chicago
Classification: Pathogenic. Last evaluated: 2018-06-11. Review status: criteria provided, single submitter. Criteria: ACMG Guidelines, 2015. Collection method: clinical testing. Allele origin: germline. Affected: yes.
Comment: DNA sequence analysis of the SH3TC2 gene demonstrated a sequence change, c.2860C>T, which results in the creation of a premature stop codon at amino acid position 954, p.Arg954*. This pathogenic sequence change is predicted to result in an abnormal transcript, which may be degraded, or may lead to the production of a truncated SH3TC2 protein with potentially abnormal function. This pathogenic sequence change has previously been described in the homozygous and compound heterozygous state in multiple patients with SH3TC2-related Charcot-Marie-Tooth disease type 4C (Senderek et al., 2003; Houlden et al., 2009.).

Illumina Laboratory Services, Illumina
Classification: Pathogenic for SH3TC2-Related Disorders. Last evaluated: 2018-03-20. Review status: criteria provided, single submitter. Criteria: ICSL Variant Classification Criteria 09 May 2019. Collection method: clinical testing. Allele origin: germline.
Comment: The SH3TC2 c.2860C>T (p.Arg954Ter) variant is a stop-gained variant and is predicted to result in premature termination of the protein. The p.Arg954Ter variant is reported in at least nine studies associated with Charcot-Marie-Tooth, type 4, and found in a total of 39 unrelated patients including 26 homozygotes and 13 compound heterozygote (Senderek et al. 2003; Azzedine et al. 2006; Lupo et al. 2009; Gosselin et al. 2008; Houlden et al. 2009; Lupski et al. 2010; Baets et al. 2011; Hoyer et al. 2014; Varley et al. 2015). The p.Arg954Ter variant is reported once in association with mononeuropathy of the median nerve. Lupski et al. (2010) report a family affected with autosomal recessive Charcot-Marie-Tooth, type 4 which includes three family members who are heterozygous for the p.Arg954Ter variant and present with a subtle mild mononeuropathy of the median nerve. The p.Arg954Ter variant has been shown to segregate with disease in a recessive inheritance pattern in at least two families (Lupski et al. 2010; Varley et al. 2015). The variant was reported in five of 180 controls in a heterozygous state, consistent with carrier status, and at a frequency of 0.00141 in the European (non-Finnish) population of the Exome Aggregation Consortium. Based on the collective evidence and potential impact of stop-gained variants, the p.Arg954Ter variant is classified as pathogenic for SH3TC2-related disorders. It is most frequently described in association with autosomal recessive Charcot-Marie-Tooth, type 4, but has also been described in association with a mild presentation of dominantly inherited mononeuropathy of the median nerve. This variant was observed by ICSL as part of a predisposition screen in an ostensibly healthy population.

Eurofins Ntd Llc (ga)
Classification: Pathogenic. Last evaluated: 2017-04-19. Review status: criteria provided, single submitter. Criteria: EGL Classification Definitions 2015. Collection method: clinical testing. Allele origin: germline. Observed: 3 variant alleles, 3 heterozygotes.

Clinical Genetics and Genomics, Karolinska University Hospital
Classification: Likely pathogenic. Last evaluated: 2015-12-15. Review status: criteria provided, single submitter. Criteria: ACMG Guidelines, 2015. Collection method: clinical testing. Allele origin: germline. Affected: yes. Observed: 1 variant allele.

UCLA Clinical Genomics Center, UCLA
Classification: Pathogenic for Charcot-Marie-Tooth disease, type 4C. Last evaluated: 2014-04-15. Review status: criteria provided, single submitter. Criteria: Lee et al. (JAMA. 2014). Collection method: clinical testing. Allele origin: germline. Inheritance: Autosomal recessive inheritance. Affected: yes. Study: CES.

Clinical Genetics Service, Universitary Hospital 12 de Octubre
Classification: Pathogenic for Charcot-Marie-Tooth disease type 4C. Review status: criteria provided, single submitter. Criteria: ACMG Guidelines, 2015. Collection method: clinical testing. Allele origin: germline. Affected: yes.